The following is an entry in ClinVar:

ClinVar aggregate classification (germline): Uncertain significance (1 of 4 stars; one submission).

Conditions:
Pseudohypoaldosteronism, type IB2, autosomal recessive (PHA1B2). Identifiers: MedGen C5774255, MONDO:0859317, OMIM 620125.
Liddle syndrome 1 (LIDLS1). Also called: PSEUDOALDOSTERONISM. Identifiers: Orphanet 526, MedGen CN031472, MONDO:0020607, OMIM 177200.
Bronchiectasis with or without elevated sweat chloride 1 (BESC1). Also called: Cystic Fibrosis-Like Syndrome. Identifiers: Orphanet 60033, MedGen C2749757, MONDO:0008887, OMIM 211400.

Submission:

Juno Genomics, Hangzhou Juno Genomics, Inc
Classification: Uncertain significance for Pseudohypoaldosteronism, type IB2, autosomal recessive; Bronchiectasis with or without elevated sweat chloride 1; Liddle syndrome 1. Review status: criteria provided, single submitter. Criteria: ACMG Guidelines, 2015. Collection method: clinical testing. Allele origin: germline.
Comment: Absent from controls (or at extremely low frequency if recessive) in Genome Aggregation Database.

NM_000336.3(SCNN1B):c.782del (p.Phe261fs)

Gene: SCNN1B (sodium channel epithelial 1 subunit beta; plus strand). Cytogenetic location: 16p12.2.
Variant type: Deletion.
Coding change: c.782del on transcript NM_000336.3 (MANE Select); coding-DNA position 782, one base deleted (T; older notation c.782delT).
Protein change: p.Phe261fs; shifts the reading frame from phenylalanine 261.
Molecular consequence: frameshift variant.
Genome position (GRCh38, 1-based): chr16:23,367,861, T deleted; the last of 2 consecutive T bases (chr16:23,367,860-23,367,861); deleting either gives the same sequence. VCF-style (leftmost placement, unchanged base first): chr16-23367859-CT-C. GRCh37 (hg19) VCF-style: chr16-23379180-CT-C.
Other names: c.782del, p.Phe261fs (NM_001410900.1); short protein forms F261fs.
Identifiers: ClinVar variation 5019002 (VCV005019002.2).